The following is an entry in ClinVar:

ClinVar aggregate classification (germline): Uncertain significance. Review status: criteria provided, multiple submitters, no conflicts (2 of 4 stars). 2 submissions from 2 submitters: Uncertain significance (2). Last evaluated 2025-02-03.

Conditions:
Loeys-Dietz syndrome 2 (LDS2). Also called: AORTIC ANEURYSM, FAMILIAL THORACIC 3; MARFAN SYNDROME, TYPE II; Marfan Syndrome type 2; Marfan like connective tissue disorder; MFS 2; TGFBR2-Related Loeys-Dietz Syndrome. Identifiers: Orphanet 284973, Orphanet 558, MedGen C2674574, MONDO:0012427, OMIM 610168.

gnomAD v4.1: 5 of 1,614,004 alleles (0.00031%); highest among the groups gnomAD compares: African/African-American, 0.0053%; no homozygotes.

Submissions (2):

Women's Health and Genetics/Laboratory Corporation of America, LabCorp
Classification: Uncertain significance. Last evaluated: 2025-02-03. Review status: criteria provided, single submitter. Criteria: LabCorp Variant Classification Summary - May 2015. Collection method: clinical testing. Allele origin: germline.
Comment: Variant summary: TMPO c.610G>T (p.Val204Phe) results in a non-conservative amino acid change in the encoded protein sequence. Three of five in-silico tools predict a damaging effect of the variant on protein function. The variant was absent in 251244 control chromosomes. The available data on variant occurrences in the general population are insufficient to allow any conclusion about variant significance. To our knowledge, no occurrence of c.610G>T in individuals affected with TMPO-related conditions and no experimental evidence demonstrating its impact on protein function have been reported. No submitters have cited clinical-significance assessments for this variant to ClinVar. Based on the evidence outlined above, the variant was classified as uncertain significance.

Labcorp Genetics (formerly Invitae), Labcorp
Classification: Uncertain significance for Loeys-Dietz syndrome 2. Last evaluated: 2024-09-16. Review status: criteria provided, single submitter. Criteria: Invitae Variant Classification Sherloc (09022015). Collection method: clinical testing. Allele origin: germline.
Comment: This sequence change replaces valine, which is neutral and non-polar, with phenylalanine, which is neutral and non-polar, at codon 204 of the TMPO protein (p.Val204Phe). This variant is present in population databases (no rsID available, gnomAD 0.01%). This variant has not been reported in the literature in individuals affected with TMPO-related conditions. Invitae Evidence Modeling of protein sequence and biophysical properties (such as structural, functional, and spatial information, amino acid conservation, physicochemical variation, residue mobility, and thermodynamic stability) indicates that this missense variant is not expected to disrupt TMPO protein function with a negative predictive value of 80%. In summary, the available evidence is currently insufficient to determine the role of this variant in disease. Therefore, it has been classified as a Variant of Uncertain Significance.

NM_001032283.3(TMPO):c.565+1029G>T

Gene: TMPO (thymopoietin; plus strand). Cytogenetic location: 12q23.1.
Variant type: single nucleotide variant.
Coding change: c.565+1029G>T on transcript NM_001032283.3 (MANE Select); 1029 bases into the intron after coding-DNA position 565, G replaced by T.
Molecular consequence: intron variant. On other transcripts: missense variant (1).
Genome position (GRCh38, 1-based): chr12:98,532,867, G>T. VCF-style: chr12-98532867-G-T. GRCh37 (hg19) VCF-style: chr12-98926645-G-T.
Other names: c.610G>T, p.Val204Phe (NM_003276.2); c.565+1029G>T (NM_001307975.2, NM_001032284.3); short protein forms V204F.
Identifiers: ClinVar variation 3608825 (VCV003608825.3).
Genomic context (GRCh38, chr12:98,532,867, plus strand): 5'-TCTTTTGCCTCTACAGGAAAGAAGAAAGAACACAAGAAAGTGAAGTCCACTAGGGATATT[G>T]TTCCTTTTTCTGAACTTGGAACTACTCCCTCTGGTGGTGGATTTTTTCAGGGTATTTCTT-3'